The following is an entry in ClinVar:

ClinVar aggregate classification (germline): Likely pathogenic. Review status: criteria provided, multiple submitters, no conflicts (2 of 4 stars). 2 submissions from 2 submitters: Likely pathogenic (2). Last evaluated 2024-03-19.

Conditions:
Bronchiectasis with or without elevated sweat chloride 1 (BESC1). Also called: Cystic Fibrosis-Like Syndrome. Identifiers: Orphanet 60033, MedGen C2749757, MONDO:0008887, OMIM 211400.
Cystic fibrosis (CF). Also called: MUCOVISCIDOSIS. Identifiers: Orphanet 586, MedGen C0010674, MONDO:0009061, OMIM 219700. Disease mechanism: loss of function.

Submissions (2):

Baylor Genetics
Classification: Likely pathogenic for Bronchiectasis with or without elevated sweat chloride 1. Last evaluated: 2024-03-19. Review status: criteria provided, single submitter. Criteria: ACMG Guidelines, 2015. Collection method: clinical testing. Allele origin: unknown.

Myriad Genetics, Inc.
Classification: Likely pathogenic for Cystic fibrosis. Last evaluated: 2022-02-25. Review status: criteria provided, single submitter. Criteria: Myriad Women's Health Autosomal Recessive and X-Linked Classification Criteria (2021). Collection method: clinical testing. Allele origin: unknown.
Comment: NM_000492.3(CFTR):c.1673T>A(L558*) is expected to be pathogenic in the context of cystic fibrosis. This variant is predicted to lead to an abnormal or absent protein product due to the creation of a premature termination codon in CFTR, a gene where loss-of-function variants are known to be pathogenic. Please note: this variant was assessed in the context of healthy population screening.

NM_000492.4(CFTR):c.1673T>A (p.Leu558Ter)

Genes: CFTR (CF transmembrane conductance regulator; plus strand), LOC111674475 (CFTR intron 11 enhancer; plus strand). Cytogenetic location: 7q31.2.
Variant type: single nucleotide variant.
Coding change: c.1673T>A on transcript NM_000492.4 (MANE Select); coding-DNA position 1673, T replaced by A.
Protein change: p.Leu558Ter; replaces leucine 558 with a stop codon.
Molecular consequence: nonsense.
Genome position (GRCh38, 1-based): chr7:117,587,827, T>A. VCF-style: chr7-117587827-T-A. GRCh37 (hg19) VCF-style: chr7-117227881-T-A.
Other names: short protein forms L558*.
Identifiers: ClinVar variation 1724744 (VCV001724744.3), dbSNP rs193922504, ClinGen allele CA368976197.